The following is an entry in ClinVar:

ClinVar aggregate classification (germline): Pathogenic (1 of 4 stars; one submission).

Conditions:
Lynch syndrome 5 (LYNCH5). Also called: Colorectal cancer, hereditary nonpolyposis, type 5; Hereditary non-polyposis colorectal cancer, type 5. Identifiers: Orphanet 144, MedGen C1833477, MONDO:0013710, OMIM 614350. Disease mechanism: loss of function.

Submission:

Myriad Genetics, Inc.
Classification: Pathogenic for Lynch syndrome 5. Last evaluated: 2023-08-11. Review status: criteria provided, single submitter. Criteria: Myriad Autosomal Dominant, Autosomal Recessive and X-Linked Classification Criteria (2023). Collection method: clinical testing. Allele origin: unknown.
Comment: This variant is considered pathogenic. This variant creates a frameshift predicted to result in premature protein truncation.

NM_000179.3(MSH6):c.872dup (p.Asn291fs)

Gene: MSH6 (mutS homolog 6; plus strand). Cytogenetic location: 2p16.3.
Variant type: Duplication.
Coding change: c.872dup on transcript NM_000179.3 (MANE Select); coding-DNA position 872, one base duplicated (A; older notation c.872dupA).
Protein change: p.Asn291fs; shifts the reading frame from asparagine 291.
Molecular consequence: frameshift variant. On other transcripts: 5 prime UTR variant (9), non-coding transcript variant (4), intron variant (1).
Genome position (GRCh38, 1-based): chr2:47,798,855, A duplicated; the last of 2 consecutive A bases (chr2:47,798,854-47,798,855); duplicating either gives the same sequence. VCF-style (leftmost placement, unchanged base first): chr2-47798853-G-GA. GRCh37 (hg19) VCF-style: chr2-48025992-G-GA.
Other names: c.482dup, p.Asn161fs (NM_001281492.2); c.-35dup (NM_001281493.2, NM_001281494.2, NM_001406811.1 and 6 more transcripts); c.968dup, p.Asn323fs (NM_001406795.1, NM_001406802.1); c.872dup, p.Asn291fs (NM_001406796.1, NM_001406798.1, NM_001406800.1 and 4 more transcripts); c.575dup, p.Asn192fs (NM_001406797.1, NM_001406801.1, NM_001406805.1 and 10 more transcripts); c.347dup, p.Asn116fs (NM_001406799.1, NM_001406806.1, NM_001406807.1); c.794dup, p.Asn265fs (NM_001406804.1); c.878dup, p.Asn293fs (NM_001406813.1); and 2 more; short protein forms N116fs, N161fs, N192fs, N235fs, N265fs, N291fs, N293fs, N323fs.
Identifiers: ClinVar variation 2673736 (VCV002673736.1), dbSNP rs2530575425, ClinGen allele CA2695200507.
Genomic context (GRCh38, chr2:47,798,853, plus strand): 5'-GGAGGAAGGAAGCAGTGATGAAATAAGCAGTGGAGTGGGGGATAGTGAGAGTGAAGGCCT[G>GA]AACAGCCCTGTCAAAGTTGCTCGAAAGCGGAAGAGAATGGTGACTGGAAATGGCTCTCTT-3'